The following is an entry in ClinVar:

ClinVar aggregate classification (germline): Uncertain significance (1 of 4 stars; one submission).

Conditions:
MHC class II deficiency. Also called: Bare lymphocyte syndrome 2; BLS, TYPE II. Identifiers: Orphanet 572, MedGen C5447452, MONDO:0008855.

Allele frequency attached by ClinVar (database versions not stated): TOPMed 0.00001; gnomAD 0.00003.
gnomAD v4.1: 27 of 1,548,928 alleles (0.0017%); highest among the groups gnomAD compares: African/African-American, 0.0041%; no homozygotes.

Submission:

Labcorp Genetics (formerly Invitae), Labcorp
Classification: Uncertain significance for MHC class II deficiency. Last evaluated: 2022-04-21. Review status: criteria provided, single submitter. Criteria: Invitae Variant Classification Sherloc (09022015). Collection method: clinical testing. Allele origin: germline.
Comment: This sequence change replaces glycine, which is neutral and non-polar, with tryptophan, which is neutral and slightly polar, at codon 100 of the RFXAP protein (p.Gly100Trp). In summary, the available evidence is currently insufficient to determine the role of this variant in disease. Therefore, it has been classified as a Variant of Uncertain Significance. Algorithms developed to predict the effect of missense changes on protein structure and function are either unavailable or do not agree on the potential impact of this missense change (SIFT: "Deleterious"; PolyPhen-2: "Probably Damaging"; Align-GVGD: "Class C0"). This variant has not been reported in the literature in individuals affected with RFXAP-related conditions. This variant is present in population databases (rs774581579, gnomAD 0.006%).

NM_000538.4(RFXAP):c.298G>T (p.Gly100Trp)

Gene: RFXAP (regulatory factor X associated protein; plus strand). Cytogenetic location: 13q13.3.
Variant type: single nucleotide variant.
Coding change: c.298G>T on transcript NM_000538.4 (MANE Select); coding-DNA position 298, G replaced by T.
Protein change: p.Gly100Trp; replaces glycine 100 with tryptophan.
Molecular consequence: missense variant.
Genome position (GRCh38, 1-based): chr13:36,819,655, G>T. VCF-style: chr13-36819655-G-T. GRCh37 (hg19) VCF-style: chr13-37393792-G-T.
Other names: short protein forms G100W.
Identifiers: ClinVar variation 2178506 (VCV002178506.2), dbSNP rs774581579, ClinGen allele CA6950191.